The following is an entry in ClinVar:

ClinVar aggregate classification (germline): Uncertain significance (0 of 4 stars; one submission).

Conditions:
PKD1-related disorder. Also called: PKD1-related condition.

Allele frequency attached by ClinVar (database versions not stated): gnomAD exomes below 0.00001; ExAC 0.00001; TOPMed 0.00001.
gnomAD v4.1: 1 of 1,587,672 alleles (0.000063%); highest among the groups gnomAD compares: Non-Finnish European, 0.000085%; no homozygotes.

Submission:

PreventionGenetics, part of Exact Sciences
Classification: Uncertain significance for PKD1-related condition. Last evaluated: 2023-12-01. Review status: no assertion criteria provided. Collection method: clinical testing. Allele origin: germline.
Comment: The PKD1 c.3241T>C variant is predicted to result in the amino acid substitution p.Ser1081Pro. To our knowledge, this variant has not been reported in the literature. This variant is reported in 0.0020% of alleles in individuals of European (Non-Finnish) descent in gnomAD. Of note, a different substitution at the same codon, defined as c.3242C>T (p.Ser1081Leu), was reported in an individual with autosomal dominant polycystic kidney disease (ADPKD), but the clinical significance was uncertain (Raj et al. 2020. PubMed ID: 32823016). At this time, the clinical significance of the p.Ser1081Pro variant found in this patient is uncertain due to the absence of conclusive functional and genetic evidence.

NM_001009944.3(PKD1):c.3241T>C (p.Ser1081Pro)

Gene: PKD1 (polycystin 1, transient receptor potential channel interacting; minus strand). Cytogenetic location: 16p13.3.
Variant type: single nucleotide variant.
Coding change: c.3241T>C on transcript NM_001009944.3 (MANE Select); coding-DNA position 3241, T replaced by C.
Protein change: p.Ser1081Pro; replaces serine 1081 with proline.
Molecular consequence: missense variant.
Genome position (GRCh38, 1-based): chr16:2,112,394, A>G on the plus strand (T>C on the coding strand, the complement: PKD1 is on the minus strand). VCF-style: chr16-2112394-A-G. GRCh37 (hg19) VCF-style: chr16-2162395-A-G.
Other names: c.3241T>C, p.Ser1081Pro (NM_000296.4); short protein forms S1081P.
Identifiers: ClinVar variation 3034078 (VCV003034078.2), dbSNP rs771477931, ClinGen allele CA7832875.